The following is an entry in ClinVar:

NM_003873.7(NRP1):c.2471T>C (p.Ile824Thr)

Gene: NRP1 (neuropilin 1; minus strand). Cytogenetic location: 10p11.22.
Variant type: single nucleotide variant.
Coding change: c.2471T>C on transcript NM_003873.7 (MANE Select); coding-DNA position 2471, T replaced by C.
Protein change: p.Ile824Thr; replaces isoleucine 824 with threonine.
Molecular consequence: missense variant. On other transcripts: non-coding transcript variant (1), intron variant (1).
Genome position (GRCh38, 1-based): chr10:33,182,709, A>G on the plus strand (T>C on the coding strand, the complement: NRP1 is on the minus strand). VCF-style: chr10-33182709-A-G. GRCh37 (hg19) VCF-style: chr10-33471637-A-G.
Other names: c.2453T>C, p.Ile818Thr (NM_001244972.2); c.2450T>C, p.Ile817Thr (NM_001244973.2); c.2432-2344T>C (NM_001330068.2); short protein forms I818T, I824T, I817T.
Identifiers: ClinVar variation 2356266 (VCV002356266.4), dbSNP rs201570278, ClinGen allele CA5466176.
Genomic context (GRCh38, chr10:33,182,709, plus strand): 5'-GAAAGCCATAGTAAAATTTTTTAAAAATTGGTCAGCAAGACAAATTTACCTGTTTCATCA[A>G]TTTTAATTTCTGGGTTCTTTTTATCCAGGTCTGCTGGTTCTGACAAGTCAAACAAAATTG-3'
Protein context (NP_003864.5, residues 814-834): DLDKKNPEIK[Ile824Thr]DETGSTPGYE

ClinVar aggregate classification (germline): Uncertain significance. Review status: criteria provided, single submitter (1 of 4 stars). 2 submissions from 2 submitters: Uncertain significance (1). 1 of the submissions does not count toward it. Last evaluated 2021-10-05.

Conditions:
NRP1-related disorder. Also called: NRP1-related condition.

Allele frequency attached by ClinVar (database versions not stated): ESP Exome Variant Server 0.00008; gnomAD 0.00015; ExAC 0.00016; TOPMed 0.00017; 1000 Genomes Project 0.00020; 1000 Genomes Project 30x 0.00031.
gnomAD v4.1: 230 of 1,612,750 alleles (0.014%); highest among the groups gnomAD compares: Admixed American, 0.012%; no homozygotes.

Submissions (2):

Ambry Genetics
Classification: Uncertain significance. Last evaluated: 2021-10-05. Review status: criteria provided, single submitter. Criteria: Ambry Variant Classification Scheme 2023. Collection method: clinical testing. Allele origin: germline.

PreventionGenetics, part of Exact Sciences
Classification: Likely benign for NRP1-related condition. Last evaluated: 2021-06-28. Review status: no assertion criteria provided. Collection method: clinical testing. Allele origin: germline. Not counted in ClinVar's aggregate classification.
Comment: This variant is classified as likely benign based on ACMG/AMP sequence variant interpretation guidelines (Richards et al. 2015 PMID: 25741868, with internal and published modifications).